The following is an entry in ClinVar:

ClinVar aggregate classification (germline): Uncertain significance (1 of 4 stars; one submission).

Conditions:
POLD1-related polyposis and colorectal cancer syndrome (CRCS10). Also called: Colorectal cancer 10; COLORECTAL CANCER, SUSCEPTIBILITY TO, ON CHROMOSOME 19q; Colorectal cancer, susceptibility to, 10. Identifiers: Orphanet 220460, MedGen C2675481, MONDO:0012953, OMIM 612591.

Submission:

Labcorp Genetics (formerly Invitae), Labcorp
Classification: Uncertain significance for POLD1-related polyposis and colorectal cancer syndrome. Last evaluated: 2021-07-25. Review status: criteria provided, single submitter. Criteria: Invitae Variant Classification Sherloc (09022015). Collection method: clinical testing. Allele origin: germline.
Comment: This variant has not been reported in the literature in individuals affected with POLD1-related conditions. In summary, the available evidence is currently insufficient to determine the role of this variant in disease. Therefore, it has been classified as a Variant of Uncertain Significance. This variant is not present in population databases (ExAC no frequency). This sequence change creates a premature translational stop signal (p.His204Thrfs*72) in the POLD1 gene. Missense variants that disrupt the 3'-5' exonuclease (proof-reading) activity of the POLD1 protein are associated with an increased risk for colonic adenomatous polyps and colon cancer (PMID: 23263490, 23447401). However, loss-of-function variants that result in an absent or severely disrupted POLD1 protein, and missense variants outside the exonuclease domain, are unlikely to be associated with polyposis or colon cancer.

Literature cited by the submitters: PubMed 23263490; PubMed 23447401.

NM_002691.4(POLD1):c.609del (p.His204fs)

Gene: POLD1 (DNA polymerase delta 1, catalytic subunit; plus strand). Cytogenetic location: 19q13.33.
Variant type: Deletion.
Coding change: c.609del on transcript NM_002691.4 (MANE Select); coding-DNA position 609, one base deleted (G; older notation c.609delG).
Protein change: p.His204fs; shifts the reading frame from histidine 204.
Molecular consequence: frameshift variant. On other transcripts: non-coding transcript variant (1).
Genome position (GRCh38, 1-based): chr19:50,402,224, G deleted; the last of 3 consecutive G bases (chr19:50,402,222-50,402,224); deleting any one gives the same sequence. VCF-style (leftmost placement, unchanged base first): chr19-50402221-CG-C. GRCh37 (hg19) VCF-style: chr19-50905478-CG-C.
Other names: c.609del, p.His204fs (NM_001256849.1, NM_001308632.1); short protein forms H204fs.
Identifiers: ClinVar variation 1465795 (VCV001465795.6), dbSNP rs2122243519, ClinGen allele CA2573156548.